The following is an entry in ClinVar:

ClinVar aggregate classification (germline): Uncertain significance (1 of 4 stars; one submission).

Submission:

Dasa
Classification: Uncertain significance. Last evaluated: 2025-12-30. Review status: criteria provided, single submitter. Criteria: DASA Assertion Criteria. Collection method: clinical testing. Allele origin: germline.
Comment: NM_001614.5(ACTG1):c.523A>G (p.Ile175Val) is a missense variant that results in the substitution of isoleucine with valine. This variant is absent from population databases. The currently available literature and clinical evidence are not sufficient to establish a definitive association between this variant and the reported condition. Therefore, this variant is classified as a variant of uncertain significance.

NM_001614.5(ACTG1):c.523A>G (p.Ile175Val)

Gene: ACTG1 (actin gamma 1; minus strand). Cytogenetic location: 17q25.3.
Variant type: single nucleotide variant.
Coding change: c.523A>G on transcript NM_001614.5 (MANE Select); coding-DNA position 523, A replaced by G.
Protein change: p.Ile175Val; replaces isoleucine 175 with valine.
Molecular consequence: missense variant. On other transcripts: non-coding transcript variant (1).
Genome position (GRCh38, 1-based): chr17:81,511,467, T>C on the plus strand (A>G on the coding strand, the complement: ACTG1 is on the minus strand). VCF-style: chr17-81511467-T-C. GRCh37 (hg19) VCF-style: chr17-79478493-T-C.
Other names: c.523A>G, p.Ile175Val (NM_001199954.3); short protein forms I175V.
Identifiers: ClinVar variation 5020750 (VCV005020750.1).